The following is an entry in ClinVar:

ClinVar aggregate classification (germline): Conflicting classifications of pathogenicity. Review status: criteria provided, conflicting classifications (1 of 4 stars). 2 submissions from 2 submitters: Likely pathogenic (1); Uncertain significance (1). Last evaluated 2026-01-28.

Conditions:
Developmental and epileptic encephalopathy, 31A. Also called: Epileptic encephalopathy, early infantile, 31; Developmental and epileptic encephalopathy, 31. Identifiers: Orphanet 2382, MedGen C4225357, MONDO:0014598, OMIM 616346.
Inborn genetic diseases. Identifiers: MedGen C0950123, MeSH D030342.

Submissions (2):

Ambry Genetics
Classification: Likely pathogenic for Inborn genetic diseases. Last evaluated: 2026-01-28. Review status: criteria provided, single submitter. Criteria: Ambry Variant Classification Scheme 2023. Collection method: clinical testing. Allele origin: germline.
Comment: The c.134G>T (p.S45I) alteration is located in exon 1 (coding exon 1) of the DNM1 gene. This alteration results from a G to T substitution at nucleotide position 134, causing the serine (S) at amino acid position 45 to be replaced by an isoleucine (I). for autosomal dominant DNM1-related developmental and epileptic encephalopathy; however, its clinical significance for autosomal recessive DNM1-related developmental and epileptic encephalopathy is uncertain. This variant was not reported in population-based cohorts in the Genome Aggregation Database (gnomAD). Other variants at the same codon, c.134G>A (p.S45N), c.135C>A (p.S45R), have been identified in individual(s) with features consistent with autosomal dominant DNM1-related developmental and epileptic encephalopathy (von Spiczak, 2017; Li, 2019). This amino acid position is highly conserved in available vertebrate species. This missense variant is located in a region that has a low rate of benign missense variation (Lek, 2016; Firth, 2009). This alteration is predicted to be deleterious by in silico analysis. Based on the available evidence, this alteration is classified as likely pathogenic.

Labcorp Genetics (formerly Invitae), Labcorp
Classification: Uncertain significance for Developmental and epileptic encephalopathy, 31A. Last evaluated: 2025-07-06. Review status: criteria provided, single submitter. Criteria: Invitae Variant Classification Sherloc (09022015). Collection method: clinical testing. Allele origin: germline.
Comment: This sequence change replaces serine, which is neutral and polar, with isoleucine, which is neutral and non-polar, at codon 45 of the DNM1 protein (p.Ser45Ile). This variant is not present in population databases (gnomAD no frequency). This missense change has been observed in individual(s) with autosomal dominant DNM1-related conditions (internal data). Invitae Evidence Modeling of protein sequence and biophysical properties (such as structural, functional, and spatial information, amino acid conservation, physicochemical variation, residue mobility, and thermodynamic stability) indicates that this missense variant is expected to disrupt DNM1 protein function with a positive predictive value of 80%. This variant disrupts the p.Ser45 amino acid residue in DNM1. Other variant(s) that disrupt this residue have been determined to be pathogenic (PMID: 28667181; internal data). This suggests that this residue is clinically significant, and that variants that disrupt this residue are likely to be disease-causing. In summary, the available evidence is currently insufficient to determine the role of this variant in disease. Therefore, it has been classified as a Variant of Uncertain Significance.

Literature cited by the submitters: PubMed 28667181 (cited by Ambry Genetics and Labcorp Genetics (formerly Invitae), Labcorp); PubMed 31920647 (cited by Ambry Genetics).

NM_004408.4(DNM1):c.134G>T (p.Ser45Ile)

Genes: CIZ1 (CDKN1A interacting zinc finger protein 1; minus strand), DNM1 (dynamin 1; plus strand). Cytogenetic location: 9q34.11.
Variant type: single nucleotide variant.
Coding change: c.134G>T on transcript NM_004408.4 (MANE Select); coding-DNA position 134, G replaced by T.
Protein change: p.Ser45Ile; replaces serine 45 with isoleucine.
Molecular consequence: missense variant. On other transcripts: intron variant (2).
Genome position (GRCh38, 1-based): chr9:128,203,604, G>T. VCF-style: chr9-128203604-G-T. GRCh37 (hg19) VCF-style: chr9-130965883-G-T.
Other names: c.134G>T, p.Ser45Ile (NM_001005336.3, NM_001288737.2, NM_001288738.2 and 2 more transcripts); c.-6+582C>A (NM_001131015.2, NM_012127.3); short protein forms S45I.
Identifiers: ClinVar variation 4743835 (VCV004743835.2).
Genomic context (GRCh38, chr9:128,203,604, plus strand): 5'-AGAACGCGGACCTCGACCTGCCGCAGATCGCTGTGGTGGGCGGCCAGAGCGCCGGCAAGA[G>T]CTCGGTGCTCGAGAATTTCGTAGGCAGGTAGGCGCGGCGCGCCCCCAGGCGCCGACCCCC-3'
Protein context (NP_004399.2, residues 35-55): AVVGGQSAGK[Ser45Ile]SVLENFVGRD